The following is an entry in ClinVar:

ClinVar aggregate classification (germline): Uncertain significance (1 of 4 stars; one submission).

Submission:

CeGaT Center for Human Genetics Tuebingen
Classification: Uncertain significance. Last evaluated: 2025-03-01. Review status: criteria provided, single submitter. Criteria: CeGaT Center For Human Genetics Tuebingen Variant Classification Criteria Version 2. Collection method: clinical testing. Allele origin: germline. Affected: yes. Observed: 1 variant allele.
Comment: HUWE1: PM2, PP2

NM_031407.7(HUWE1):c.2629G>C (p.Ala877Pro)

Gene: HUWE1 (HECT, UBA and WWE domain containing E3 ubiquitin protein ligase 1; minus strand). Cytogenetic location: Xp11.22.
Variant type: single nucleotide variant.
Coding change: c.2629G>C on transcript NM_031407.7 (MANE Select); coding-DNA position 2629, G replaced by C.
Protein change: p.Ala877Pro; replaces alanine 877 with proline.
Molecular consequence: missense variant.
Genome position (GRCh38, 1-based): chrX:53,604,702, C>G on the plus strand (G>C on the coding strand, the complement: HUWE1 is on the minus strand). VCF-style: chrX-53604702-C-G. GRCh37 (hg19) VCF-style: chrX-53631663-C-G.
Other names: short protein forms A877P.
Identifiers: ClinVar variation 3778227 (VCV003778227.7).
Genomic context (GRCh38, chrX:53,604,702, plus strand): 5'-TGAGTGCATGCAGCAGAGGTGTGGCCTGGGCTGAGAGGGTAGCATCAGCAACATTGCCTG[C>G]GCAAGCCAGTTCTCGCAACAACACTGAGCCCCCAGGGGATTCAATGGGGCGGTGTAAGGG-3'
Protein context (NP_113584.3, residues 867-887): GSVLLRELAC[Ala877Pro]GNVADATLSA